The following is an entry in ClinVar:

NM_015272.5(RPGRIP1L):c.3606C>G (p.Asn1202Lys)

Gene: RPGRIP1L (RPGRIP1 like; minus strand). Cytogenetic location: 16q12.2.
Variant type: single nucleotide variant.
Coding change: c.3606C>G on transcript NM_015272.5 (MANE Select); coding-DNA position 3606, C replaced by G.
Protein change: p.Asn1202Lys; replaces asparagine 1202 with lysine.
Molecular consequence: missense variant.
Genome position (GRCh38, 1-based): chr16:53,619,035, G>C on the plus strand (C>G on the coding strand, the complement: RPGRIP1L is on the minus strand). VCF-style: chr16-53619035-G-C. GRCh37 (hg19) VCF-style: chr16-53652947-G-C.
Other names: c.3366C>G, p.Asn1122Lys (NM_001127897.4); c.3468C>G, p.Asn1156Lys (NM_001308334.3); c.3504C>G, p.Asn1168Lys (NM_001330538.2); short protein forms N1156K, N1122K, N1168K, N1202K.
Identifiers: ClinVar variation 4987688 (VCV004987688.1).

ClinVar aggregate classification (germline): Uncertain significance (1 of 4 stars; one submission).

Conditions:
RPGRIP1L-related disorder. Also called: RPGRIP1L-related disorders; RPGRIP1L-related condition. Identifiers: MedGen CN239416.

gnomAD v4.1: 12 of 1,612,120 alleles (0.00074%); highest among the groups gnomAD compares: Non-Finnish European, 0.001%; no homozygotes.

Submission:

PreventionGenetics, part of Exact Sciences
Classification: Uncertain significance for RPGRIP1L-related condition. Last evaluated: 2026-09-18. Review status: criteria provided, single submitter. Criteria: ACMG Guidelines, 2015. Collection method: clinical testing. Allele origin: germline.
Comment: The RPGRIP1L c.3606C>G variant is predicted to result in the amino acid substitution p.Asn1202Lys. To our knowledge, this variant has not been reported in the literature. This variant is reported in 0.0018% of alleles in individuals of European (Non-Finnish) descent in gnomAD. At this time, the clinical significance of this variant is uncertain due to the absence of conclusive functional and genetic evidence.